The following is an entry in ClinVar:

NM_003383.5(VLDLR):c.-296_-277dup

Genes: VLDLR (very low density lipoprotein receptor; plus strand), VLDLR-AS1 (VLDLR antisense RNA 1; minus strand). Cytogenetic location: 9p24.2.
Variant type: Duplication.
Coding change: c.-296_-277dup on transcript NM_003383.5 (MANE Select); 296 bases upstream of the start codon through 277 bases upstream of the start codon, 20 bases duplicated (CCCCTTGCCTCCCCTCCTCT).
Molecular consequence: 5 prime UTR variant.
Genome position (GRCh38, 1-based): chr9:2,621,894-2,621,913, CCCCTTGCCTCCCCTCCTCT duplicated; duplicating any 20 consecutive bases within chr9:2,621,885-2,621,913 gives the same sequence; the c. name uses the placement nearest the transcript's 3' end. VCF-style (leftmost placement, unchanged base first): chr9-2621884-T-TCCCTCCTCTCCCCTTGCCTC. GRCh37 (hg19) VCF-style: chr9-2621884-T-TCCCTCCTCTCCCCTTGCCTC.
Other names: c.-296_-277dup (NM_001018056.3, NM_001322225.2, NM_001322226.2).
Identifiers: ClinVar variation 2659036 (VCV002659036.24), dbSNP rs539873248, ClinGen allele CA4964373.

ClinVar aggregate classification (germline): Likely benign (1 of 4 stars; one submission).

Submission:

CeGaT Center for Human Genetics Tuebingen
Classification: Likely benign. Last evaluated: 2023-05-01. Review status: criteria provided, single submitter. Criteria: CeGaT Center For Human Genetics Tuebingen Variant Classification Criteria Version 2. Collection method: clinical testing. Allele origin: germline. Affected: yes. Observed: 1 variant allele.
Comment: VLDLR: BS2; VLDLR-AS1: BS2